The following is an entry in ClinVar:

NM_005876.5(SPEG):c.658G>A (p.Ala220Thr)

Gene: SPEG (striated muscle enriched protein kinase; plus strand). Cytogenetic location: 2q35.
Variant type: single nucleotide variant.
Coding change: c.658G>A on transcript NM_005876.5 (MANE Select); coding-DNA position 658, G replaced by A.
Protein change: p.Ala220Thr; replaces alanine 220 with threonine.
Molecular consequence: missense variant.
Genome position (GRCh38, 1-based): chr2:219,445,004, G>A. VCF-style: chr2-219445004-G-A. GRCh37 (hg19) VCF-style: chr2-220309726-G-A.
Other names: short protein forms A220T.
Identifiers: ClinVar variation 1470158 (VCV001470158.3), dbSNP rs771806971, ClinGen allele CA2125544.
Genomic context (GRCh38, chr2:219,445,004, plus strand): 5'-GGCAGTGGGGGTGGCACCCGCCGCCTCCCGGGCAGCCCAAGGCAAGCACAGGCAACCGGG[G>A]CCGGGCCACGGCACCTGGGGGTGGAGCCGCTGGTGCGGGCATCTCGAGCTAATCTGGTGG-3'
Protein context (NP_005867.3, residues 210-230): GSPRQAQATG[Ala220Thr]GPRHLGVEPL

ClinVar aggregate classification (germline): Uncertain significance (1 of 4 stars; one submission).

Allele frequency attached by ClinVar (database versions not stated): gnomAD exomes 0.00001; ExAC 0.00001.
gnomAD v4.1: 5 of 1,610,670 alleles (0.00031%); highest among the groups gnomAD compares: South Asian, 0.0033%; no homozygotes.

Submission:

Labcorp Genetics (formerly Invitae), Labcorp
Classification: Uncertain significance. Last evaluated: 2022-08-16. Review status: criteria provided, single submitter. Criteria: Invitae Variant Classification Sherloc (09022015). Collection method: clinical testing. Allele origin: germline.
Comment: This sequence change replaces alanine, which is neutral and non-polar, with threonine, which is neutral and polar, at codon 220 of the SPEG protein (p.Ala220Thr). This variant is present in population databases (rs771806971, gnomAD 0.007%). This variant has not been reported in the literature in individuals affected with SPEG-related conditions. ClinVar contains an entry for this variant (Variation ID: 1470158). Algorithms developed to predict the effect of missense changes on protein structure and function are either unavailable or do not agree on the potential impact of this missense change (SIFT: "Deleterious"; PolyPhen-2: "Benign"; Align-GVGD: "Class C0"). In summary, the available evidence is currently insufficient to determine the role of this variant in disease. Therefore, it has been classified as a Variant of Uncertain Significance.